The following is an entry in ClinVar:

NM_000228.3(LAMB3):c.2572G>T (p.Glu858Ter)

Gene: LAMB3 (laminin subunit beta 3; minus strand). Cytogenetic location: 1q32.2.
Variant type: single nucleotide variant.
Coding change: c.2572G>T on transcript NM_000228.3 (MANE Select); coding-DNA position 2572, G replaced by T.
Protein change: p.Glu858Ter; replaces glutamic acid 858 with a stop codon.
Molecular consequence: nonsense.
Genome position (GRCh38, 1-based): chr1:209,622,665, C>A on the plus strand (G>T on the coding strand, the complement: LAMB3 is on the minus strand). VCF-style: chr1-209622665-C-A. GRCh37 (hg19) VCF-style: chr1-209796010-C-A.
Other names: c.2572G>T, p.Glu858Ter (NM_001017402.2, NM_001127641.1); short protein forms E858*.
Identifiers: ClinVar variation 5015548 (VCV005015548.1).

ClinVar aggregate classification (germline): Pathogenic (1 of 4 stars; one submission).

Conditions:
Junctional epidermolysis bullosa. Identifiers: Orphanet 305, MedGen C0079301, MONDO:0017612.

Submission:

Myriad Genetics, Inc.
Classification: Pathogenic for Junctional epidermolysis bullosa. Last evaluated: 2026-02-14. Review status: criteria provided, single submitter. Criteria: Myriad Autosomal Dominant, Autosomal Recessive and X-Linked Classification Criteria (2023). Collection method: clinical testing. Allele origin: unknown.
Comment: NM_000228.2(LAMB3):c.2572G>T(E858*) is expected to be pathogenic in the context of junctional epidermolysis bullosa, LAMB3-related. This variant is predicted to lead to an abnormal or absent protein product due to the creation of a premature termination codon in LAMB3, a gene where loss-of-function variants are known to be pathogenic. Please note: this variant was assessed in the context of healthy population screening.